The following is an entry in ClinVar:

ClinVar aggregate classification (germline): Uncertain significance (1 of 4 stars; one submission).

Conditions:
Retinitis pigmentosa 59 (RP59). Identifiers: Orphanet 791, MedGen C3151227, MONDO:0013468, OMIM 613861.

Allele frequency attached by ClinVar (database versions not stated): gnomAD exomes below 0.00001.
gnomAD v4.1: 6 of 1,614,226 alleles (0.00037%); highest among the groups gnomAD compares: African/African-American, 0.004%; no homozygotes.

Submission:

Labcorp Genetics (formerly Invitae), Labcorp
Classification: Uncertain significance for Retinitis pigmentosa 59. Last evaluated: 2022-06-13. Review status: criteria provided, single submitter. Criteria: Invitae Variant Classification Sherloc (09022015). Collection method: clinical testing. Allele origin: germline.
Comment: This sequence change replaces isoleucine, which is neutral and non-polar, with valine, which is neutral and non-polar, at codon 20 of the DHDDS protein (p.Ile20Val). This variant is present in population databases (no rsID available, gnomAD 0.003%). This variant has not been reported in the literature in individuals affected with DHDDS-related conditions. Algorithms developed to predict the effect of missense changes on protein structure and function (SIFT, PolyPhen-2, Align-GVGD) all suggest that this variant is likely to be tolerated. In summary, the available evidence is currently insufficient to determine the role of this variant in disease. Therefore, it has been classified as a Variant of Uncertain Significance.

NM_205861.3(DHDDS):c.58A>G (p.Ile20Val)

Gene: DHDDS (dehydrodolichyl diphosphate synthase subunit; plus strand). Cytogenetic location: 1p36.11.
Variant type: single nucleotide variant.
Coding change: c.58A>G on transcript NM_205861.3 (MANE Select); coding-DNA position 58, A replaced by G.
Protein change: p.Ile20Val; replaces isoleucine 20 with valine.
Molecular consequence: missense variant. On other transcripts: 5 prime UTR variant (1).
Genome position (GRCh38, 1-based): chr1:26,433,003, A>G. VCF-style: chr1-26433003-A-G. GRCh37 (hg19) VCF-style: chr1-26759494-A-G.
Other names: c.58A>G, p.Ile20Val (NM_001243564.2, NM_001243565.2, NM_024887.4); c.-245A>G (NM_001319959.2); short protein forms I20V.
Identifiers: ClinVar variation 1433320 (VCV001433320.5), dbSNP rs955247503, ClinGen allele CA19768727.
Genomic context (GRCh38, chr1:26,433,003, plus strand): 5'-ACTATGTCATGGATCAAGGAAGGAGAGCTGTCACTTTGGGAGCGGTTCTGTGCCAACATC[A>G]TAAAGGTGAGCAATGGCCCAGAGCACCGGTTGGCCTTCTGGTCAGTTGGATAATCTTATA-3'
Protein context (NP_995583.1, residues 10-30): SLWERFCANI[Ile20Val]KAGPMPKHIA